The following is an entry in ClinVar:

ClinVar aggregate classification (germline): Uncertain significance. Review status: criteria provided, multiple submitters, no conflicts (2 of 4 stars). 2 submissions from 2 submitters: Uncertain significance (2). Last evaluated 2026-08-05.

Conditions:
Atrioventricular septal defect 4 (AVSD4). Identifiers: MedGen C3280781, MONDO:0013747, OMIM 614430.

Allele frequency attached by ClinVar (database versions not stated): gnomAD exomes 0.00003 and 0.00002; ExAC 0.00003; gnomAD 0.00001 and 0.00002; TOPMed 0.00003.
gnomAD v4.1: 29 of 1,614,026 alleles (0.0018%); highest among the groups gnomAD compares: East Asian, 0.0022%; no homozygotes.

Submissions (2):

GeneDx
Classification: Uncertain significance. Last evaluated: 2026-08-05. Review status: criteria provided, single submitter. Criteria: GeneDx Variant Classification Process June 2021. Collection method: clinical testing. Allele origin: germline.
Comment: In silico analysis suggests that this missense variant does not alter protein structure/function; This variant is associated with the following publications: (PMID: 31322791)

Labcorp Genetics (formerly Invitae), Labcorp
Classification: Uncertain significance for Atrioventricular septal defect 4. Last evaluated: 2023-11-17. Review status: criteria provided, single submitter. Criteria: Invitae Variant Classification Sherloc (09022015). Collection method: clinical testing. Allele origin: germline.
Comment: This sequence change replaces threonine, which is neutral and polar, with methionine, which is neutral and non-polar, at codon 383 of the GATA4 protein (p.Thr383Met). This variant is present in population databases (rs759067821, gnomAD 0.006%). This missense change has been observed in individual(s) with clinical features of GATA4-related conditions (PMID: 31322791). ClinVar contains an entry for this variant (Variation ID: 861034). An algorithm developed to predict the effect of missense changes on protein structure and function (PolyPhen-2) suggests that this variant is likely to be tolerated. In summary, the available evidence is currently insufficient to determine the role of this variant in disease. Therefore, it has been classified as a Variant of Uncertain Significance.

Literature cited by the submitters: PubMed 31322791 (cited by Labcorp Genetics (formerly Invitae), Labcorp).

NM_001308093.3(GATA4):c.1151C>T (p.Thr384Met)

Gene: GATA4 (GATA binding protein 4). Cytogenetic location: 8p23.1.
Variant type: single nucleotide variant.
Coding change: c.1151C>T on transcript NM_001308093.3 (MANE Select); coding-DNA position 1151, C replaced by T.
Protein change: p.Thr384Met; replaces threonine 384 with methionine.
Molecular consequence: missense variant.
Genome position (GRCh38, 1-based): chr8:11,758,294, C>T. VCF-style: chr8-11758294-C-T. GRCh37 (hg19) VCF-style: chr8-11615803-C-T.
Other names: c.530C>T, p.Thr177Met (NM_001308094.2, NM_001374273.1); c.404C>T, p.Thr135Met (NM_001374274.1); c.1148C>T, p.Thr383Met (NM_002052.5); short protein forms T177M, T135M, T384M, T383M.
Identifiers: ClinVar variation 861034 (VCV000861034.13), dbSNP rs759067821, ClinGen allele CA4630876.